The following is an entry in ClinVar:

ClinVar aggregate classification (germline): Uncertain significance (1 of 4 stars; one submission).

gnomAD v4.1: 3 of 1,614,014 alleles (0.00019%); no homozygotes.

Submission:

GeneDx
Classification: Uncertain significance. Last evaluated: 2025-06-10. Review status: criteria provided, single submitter. Criteria: GeneDx Variant Classification Process June 2021. Collection method: clinical testing. Allele origin: germline. Affected: yes.
Comment: Not observed at significant frequency in large population cohorts (gnomAD); In silico analysis supports that this missense variant has a deleterious effect on protein structure/function; Has not been previously published as pathogenic or benign to our knowledge

NM_004086.3(COCH):c.968G>C (p.Cys323Ser)

Genes: COCH (cochlin; plus strand), COCH-AS1 (COCH antisense RNA 1; minus strand). Cytogenetic location: 14q12.
Variant type: single nucleotide variant.
Coding change: c.968G>C on transcript NM_004086.3 (MANE Select); coding-DNA position 968, G replaced by C.
Protein change: p.Cys323Ser; replaces cysteine 323 with serine.
Molecular consequence: missense variant. On other transcripts: non-coding transcript variant (1).
Genome position (GRCh38, 1-based): chr14:30,885,803, G>C. VCF-style: chr14-30885803-G-C. GRCh37 (hg19) VCF-style: chr14-31355009-G-C.
Other names: c.968G>C, p.Cys323Ser (NM_001135058.2); c.1163G>C, p.Cys388Ser (NM_001347720.2); short protein forms C323S, C388S.
Identifiers: ClinVar variation 4537959 (VCV004537959.1).